The following is an entry in ClinVar:

ClinVar aggregate classification (germline): Uncertain significance (1 of 4 stars; one submission).

Conditions:
Distal hereditary motor neuropathy type 2. Identifiers: Orphanet 139525, MedGen C3711384, MeSH C580044, MONDO:0015352.

Allele frequency attached by ClinVar (database versions not stated): gnomAD exomes below 0.00001; ExAC 0.00001; gnomAD 0.00001; TOPMed 0.00001.
gnomAD v4.1: 4 of 1,614,082 alleles (0.00025%); highest among the groups gnomAD compares: Non-Finnish European, 0.00034%; no homozygotes.

Submission:

Labcorp Genetics (formerly Invitae), Labcorp
Classification: Uncertain significance for Distal hereditary motor neuropathy type 2. Last evaluated: 2023-11-03. Review status: criteria provided, single submitter. Criteria: Invitae Variant Classification Sherloc (09022015). Collection method: clinical testing. Allele origin: germline.
Comment: This sequence change replaces aspartic acid, which is acidic and polar, with valine, which is neutral and non-polar, at codon 690 of the FBXO38 protein (p.Asp690Val). This variant is present in population databases (rs753859838, gnomAD 0.0009%). This variant has not been reported in the literature in individuals affected with FBXO38-related conditions. Advanced modeling of protein sequence and biophysical properties (such as structural, functional, and spatial information, amino acid conservation, physicochemical variation, residue mobility, and thermodynamic stability) performed at Invitae indicates that this missense variant is not expected to disrupt FBXO38 protein function with a negative predictive value of 80%. In summary, the available evidence is currently insufficient to determine the role of this variant in disease. Therefore, it has been classified as a Variant of Uncertain Significance.

NM_205836.3(FBXO38):c.2069A>T (p.Asp690Val)

Gene: FBXO38 (F-box protein 38; plus strand). Cytogenetic location: 5q32.
Variant type: single nucleotide variant.
Coding change: c.2069A>T on transcript NM_205836.3 (MANE Select); coding-DNA position 2069, A replaced by T.
Protein change: p.Asp690Val; replaces aspartic acid 690 with valine.
Molecular consequence: missense variant. On other transcripts: intron variant (1).
Genome position (GRCh38, 1-based): chr5:148,427,363, A>T. VCF-style: chr5-148427363-A-T. GRCh37 (hg19) VCF-style: chr5-147806926-A-T.
Other names: c.2069A>T, p.Asp690Val (NM_030793.5); c.1918+1662A>T (NM_001271723.2); short protein forms D690V.
Identifiers: ClinVar variation 2906341 (VCV002906341.3), dbSNP rs753859838, ClinGen allele CA3497439.
Genomic context (GRCh38, chr5:148,427,363, plus strand): 5'-GTGAGAAAGGCTGTCAGGTCACCAGTGAGCAGATCAAAGCCGATATGAAAGCAGCTAGGG[A>T]TATTCCTGAAAAGAAAAAAAACAAGGATGTTTATCCCAGCTGCAGCAGCACCACCGCCAG-3'
Protein context (NP_995308.1, residues 680-700): QIKADMKAAR[Asp690Val]IPEKKKNKDV